The following is an entry in ClinVar:

NM_001009944.3(PKD1):c.1938G>A (p.Trp646Ter)

Gene: PKD1 (polycystin 1, transient receptor potential channel interacting; minus strand). Cytogenetic location: 16p13.3.
Variant type: single nucleotide variant.
Coding change: c.1938G>A on transcript NM_001009944.3 (MANE Select); coding-DNA position 1938, G replaced by A.
Protein change: p.Trp646Ter; replaces tryptophan 646 with a stop codon.
Molecular consequence: nonsense.
Genome position (GRCh38, 1-based): chr16:2,115,537, C>T on the plus strand (G>A on the coding strand, the complement: PKD1 is on the minus strand). VCF-style: chr16-2115537-C-T. GRCh37 (hg19) VCF-style: chr16-2165538-C-T.
Other names: c.1938G>A, p.Trp646Ter (NM_000296.4); short protein forms W646*.
Identifiers: ClinVar variation 3335861 (VCV003335861.3).

ClinVar aggregate classification (germline): Pathogenic. Review status: criteria provided, multiple submitters, no conflicts (2 of 4 stars). 2 submissions from 2 submitters: Pathogenic (2). Last evaluated 2024-01-12.

Conditions:
Polycystic kidney disease, adult type (PKD1). Also called: Polycystic Kidney, Autosomal Dominant; POLYCYSTIC KIDNEY DISEASE 1 WITH OR WITHOUT POLYCYSTIC LIVER DISEASE; POLYCYSTIC KIDNEY DISEASE, ADULT, TYPE I; Polycystic Kidney Disease 1, Autosomal Dominant; Polycystic kidney disease 1; Polycystic kidney disease 1, severe. Identifiers: MedGen C3149841, MONDO:0008263, OMIM 173900.

Submissions (2):

Fulgent Genetics
Classification: Pathogenic for Polycystic kidney disease, adult type. Last evaluated: 2024-01-12. Review status: criteria provided, single submitter. Criteria: ACMG Guidelines, 2015. Collection method: clinical testing. Allele origin: germline.

Juno Genomics, Hangzhou Juno Genomics, Inc
Classification: Pathogenic for Polycystic kidney disease, adult type. Review status: criteria provided, single submitter. Criteria: ACMG Guidelines, 2015. Collection method: clinical testing. Allele origin: germline. Affected: yes.
Comment: Absent from controls (or at extremely low frequency if recessive) in Genome Aggregation Database, Exome Sequencing Project, 1000 Genomes Project, or Exome Aggregation Consortium.;Null variant in a gene where loss of function (LOF) is a known mechanism of disease.;The prevalence of the variant in affected individuals is significantly increased compared to the prevalence in controls.;Patient's phenotype or family history is highly specific for a disease with a single genetic etiology.